The following is an entry in ClinVar:

NM_017882.3(CLN6):c.63C>T (p.Gly21=)

Gene: CLN6 (CLN6 transmembrane ER protein; minus strand). Cytogenetic location: 15q23.
Variant type: single nucleotide variant.
Coding change: c.63C>T on transcript NM_017882.3 (MANE Select); coding-DNA position 63, C replaced by T.
Protein change: p.Gly21=; no amino-acid change (glycine 21 retained).
Molecular consequence: synonymous variant.
Genome position (GRCh38, 1-based): chr15:68,229,522, G>A on the plus strand (C>T on the coding strand, the complement: CLN6 is on the minus strand). VCF-style: chr15-68229522-G-A. GRCh37 (hg19) VCF-style: chr15-68521860-G-A.
Other names: p.G21G:GGC>GGT.
Identifiers: ClinVar variation 205159 (VCV000205159.10), dbSNP rs796052348, ClinGen allele CA313949.

ClinVar aggregate classification (germline): Benign/Likely benign. Review status: criteria provided, multiple submitters, no conflicts (2 of 4 stars). 2 submissions from 2 submitters: Benign (1); Likely benign (1). Last evaluated 2023-11-27.

Conditions:
Neuronal ceroid lipofuscinosis. Also called: Neuronal Ceroid Lipofuscinoses. Identifiers: Orphanet 216, Orphanet 79263, MedGen C0027877, MONDO:0016295. Disease mechanism: loss of function.

Allele frequency attached by ClinVar (database versions not stated): gnomAD 0.00001; gnomAD exomes 0.00001 and 0.00002.
gnomAD v4.1: 8 of 1,466,558 alleles (0.00055%); highest among the groups gnomAD compares: African/African-American, 0.0015%; no homozygotes.

Submissions (2):

Labcorp Genetics (formerly Invitae), Labcorp
Classification: Likely benign for Neuronal ceroid lipofuscinosis. Last evaluated: 2023-11-27. Review status: criteria provided, single submitter. Criteria: Invitae Variant Classification Sherloc (09022015). Collection method: clinical testing. Allele origin: germline.

GeneDx
Classification: Benign. Last evaluated: 2014-11-14. Review status: criteria provided, single submitter. Criteria: GeneDx Variant Classification (06012015). Collection method: clinical testing. Allele origin: germline. Affected: yes.
Comment: This variant is considered likely benign or benign based on one or more of the following criteria: it is a conservative change, it occurs at a poorly conserved position in the protein, it is predicted to be benign by multiple in silico algorithms, and/or has population frequency not consistent with disease.